The following is an entry in ClinVar:

ClinVar aggregate classification (germline): Likely benign (1 of 4 stars; one submission).

Conditions:
Tumoral calcinosis, hyperphosphatemic, familial, 3. Identifiers: MedGen C4693864, MONDO:0060715, OMIM 617994.

Allele frequency attached by ClinVar (database versions not stated): gnomAD exomes 0.00243; gnomAD 0.01182 and 0.01270; TOPMed 0.01294; 1000 Genomes Project 0.01358; 1000 Genomes Project 30x 0.01437.
gnomAD v4.1: 1,845 of 174,276 alleles (1.1%); highest among the groups gnomAD compares: African/African-American, 4%; 40 homozygotes.

Submission:

Illumina Laboratory Services, Illumina
Classification: Likely benign for Tumoral calcinosis, hyperphosphatemic, familial, 3. Last evaluated: 2017-04-27. Review status: criteria provided, single submitter. Criteria: ICSL Variant Classification Criteria 13 December 2019. Collection method: clinical testing. Allele origin: germline.
Comment: This variant was observed as part of a predisposition screen in an ostensibly healthy population. A literature search was performed for the gene, cDNA change, and amino acid change (where applicable). No publications were found based on this search. Allele frequency data from public databases allowed determination this variant is unlikely to cause disease. Therefore, this variant is classified as likely benign.

NM_004795.4(KL):c.*1664T>C

Gene: KL (klotho; plus strand). Cytogenetic location: 13q13.1.
Variant type: single nucleotide variant.
Coding change: c.*1664T>C on transcript NM_004795.4 (MANE Select); 1664 bases downstream of the stop codon, T replaced by C.
Molecular consequence: 3 prime UTR variant.
Genome position (GRCh38, 1-based): chr13:33,065,850, T>C. VCF-style: chr13-33065850-T-C. GRCh37 (hg19) VCF-style: chr13-33639987-T-C.
Identifiers: ClinVar variation 311731 (VCV000311731.5), dbSNP rs116627995, ClinGen allele CA10644199.
Genomic context (GRCh38, chr13:33,065,850, plus strand): 5'-CAGAAATAGCCACTATTAACATTTCCTACGTATTTTATTTTACATAGATCATATTGTATA[T>C]AGTTAGTATCTTTATTAATTTTTATTATGAAACTTTCCTTTGTCATTATTAGTCTTCAAA-3'